The following is an entry in ClinVar:

NM_006231.4(POLE):c.2585_2612dup (p.Ser871fs)

Gene: POLE (DNA polymerase epsilon, catalytic subunit; minus strand). Cytogenetic location: 12q24.33.
Variant type: Duplication.
Coding change: c.2585_2612dup on transcript NM_006231.4 (MANE Select); coding-DNA positions 2585 to 2612, 28 bases duplicated (ATGGTATATGGTGCGTCCTGCCCAACAG).
Protein change: p.Ser871fs; shifts the reading frame from serine 871.
Molecular consequence: frameshift variant.
Genome position (GRCh38, 1-based): chr12:132,664,098-132,664,125, CTGTTGGGCAGGACGCACCATATACCAT duplicated on the plus strand (ATGGTATATGGTGCGTCCTGCCCAACAG on the coding strand, the reverse complement: POLE is on the minus strand); duplicating any 28 consecutive bases within chr12:132,664,098-132,664,129 gives the same sequence; the c. name uses the placement nearest the transcript's 3' end. VCF-style (leftmost placement, unchanged base first): chr12-132664097-G-GCTGTTGGGCAGGACGCACCATATACCAT. GRCh37 (hg19) VCF-style: chr12-133240683-G-GCTGTTGGGCAGGACGCACCATATACCAT.
Other names: short protein forms S871fs.
Identifiers: ClinVar variation 821524 (VCV000821524.7), dbSNP rs1593782203, ClinGen allele CA915946846.

ClinVar aggregate classification (germline): Conflicting classifications of pathogenicity. Review status: criteria provided, conflicting classifications (1 of 4 stars). 2 submissions from 2 submitters: Pathogenic (1); Uncertain significance (1). Last evaluated 2025-05-14.

Conditions:
Hereditary cancer-predisposing syndrome. Also called: Tumor predisposition; Hereditary Cancer Syndrome; Neoplastic Syndromes, Hereditary; Hereditary neoplastic syndrome. Identifiers: Orphanet 140162, MedGen C0027672, MeSH D009386, MONDO:0015356.

Submissions (2):

Ambry Genetics
Classification: Uncertain significance for Hereditary cancer-predisposing syndrome. Last evaluated: 2025-05-14. Review status: criteria provided, single submitter. Criteria: Ambry Variant Classification Scheme 2023. Collection method: clinical testing. Allele origin: germline.
Comment: The c.2585_2612dup28 variant, located in coding exon 23 of the POLE gene, results from a duplication of 28 nucleotides at positions 2585 to 2612, causing a translational frameshift with a predicted alternate stop codon (p.S871Rfs*47). This alteration is expected to result in loss of function by premature protein truncation or nonsense-mediated mRNA decay. Although biallelic loss of function of POLE has been associated with autosomal recessive POLE deficiency, haploinsufficiency of POLE has not been established as a mechanism of disease for POLE-related polymerase proofreading-associated polyposis (PPAP) and POLE-related CMMRD-like syndrome. Based on the supporting evidence, this variant is expected to be causative of POLE deficiency when present along with a second pathogenic variant on the other allele; however, its clinical significance for PPAP and POLE-related CMMRD-like syndrome is unclear.

Labcorp Genetics (formerly Invitae), Labcorp
Classification: Pathogenic. Last evaluated: 2024-08-18. Review status: criteria provided, single submitter. Criteria: Invitae Variant Classification Sherloc (09022015). Collection method: clinical testing. Allele origin: germline.
Comment: This sequence change creates a premature translational stop signal (p.Ser871Argfs*47) in the POLE gene. It is expected to result in an absent or disrupted protein product. Loss-of-function variants in POLE are known to be pathogenic (PMID: 23230001, 25948378, 30503519). This variant is not present in population databases (gnomAD no frequency). This variant has not been reported in the literature in individuals affected with POLE-related conditions. ClinVar contains an entry for this variant (Variation ID: 821524). For these reasons, this variant has been classified as Pathogenic.

Literature cited by the submitters: PubMed 23230001 (cited by Labcorp Genetics (formerly Invitae), Labcorp); PubMed 25948378 (cited by Labcorp Genetics (formerly Invitae), Labcorp); PubMed 30503519 (cited by Labcorp Genetics (formerly Invitae), Labcorp).